The following is an entry in ClinVar:

ClinVar aggregate classification (germline): Uncertain significance (1 of 4 stars; one submission).

Conditions:
Congenital contractural arachnodactyly (CCA). Also called: BEALS SYNDROME; Beals-Hecht syndrome; Arthrogryposis, distal, type 9. Identifiers: Orphanet 115, MedGen C0220668, MONDO:0007363, OMIM 121050.

Submission:

Labcorp Genetics (formerly Invitae), Labcorp
Classification: Uncertain significance for Congenital contractural arachnodactyly. Last evaluated: 2025-10-14. Review status: criteria provided, single submitter. Criteria: Invitae Variant Classification Sherloc (09022015). Collection method: clinical testing. Allele origin: germline.
Comment: This sequence change replaces proline, which is neutral and non-polar, with serine, which is neutral and polar, at codon 776 of the FBN2 protein (p.Pro776Ser). This variant is not present in population databases (gnomAD no frequency). This variant has not been reported in the literature in individuals affected with FBN2-related conditions. ClinVar contains an entry for this variant (Variation ID: 2907268). Invitae Evidence Modeling of protein sequence and biophysical properties (such as structural, functional, and spatial information, amino acid conservation, physicochemical variation, residue mobility, and thermodynamic stability) has been performed for this missense variant. However, the output from this modeling did not meet the statistical confidence thresholds required to predict the impact of this variant on FBN2 protein function. In summary, the available evidence is currently insufficient to determine the role of this variant in disease. Therefore, it has been classified as a Variant of Uncertain Significance.

NM_001999.4(FBN2):c.2326C>T (p.Pro776Ser)

Gene: FBN2 (fibrillin 2; minus strand). Cytogenetic location: 5q23.3.
Variant type: single nucleotide variant.
Coding change: c.2326C>T on transcript NM_001999.4 (MANE Select); coding-DNA position 2326, C replaced by T.
Protein change: p.Pro776Ser; replaces proline 776 with serine.
Molecular consequence: missense variant.
Genome position (GRCh38, 1-based): chr5:128,364,702, G>A on the plus strand (C>T on the coding strand, the complement: FBN2 is on the minus strand). VCF-style: chr5-128364702-G-A. GRCh37 (hg19) VCF-style: chr5-127700395-G-A.
Other names: short protein forms P776S.
Identifiers: ClinVar variation 2907268 (VCV002907268.3), dbSNP rs2479346781, ClinGen allele CA360768423.
Genomic context (GRCh38, chr5:128,364,702, plus strand): 5'-TGCAATTACAACGGTAACTACCACGTAAGTTTTCACAAATCCCATTGGCACATATATCAG[G>A]ATCCAAAGCACATTCATTGATATCTGCATTAAATATTGAAAGTTTAGTGCTATCAACAAA-3'
Protein context (NP_001990.2, residues 766-786): GRDINECALD[Pro776Ser]DICANGICEN